The following is an entry in ClinVar:

NM_001330360.2(POLA1):c.1670A>G (p.Lys557Arg)

Gene: POLA1 (DNA polymerase alpha 1, catalytic subunit; plus strand). Cytogenetic location: Xp22.11.
Variant type: single nucleotide variant.
Coding change: c.1670A>G on transcript NM_001330360.2 (MANE Select); coding-DNA position 1670, A replaced by G.
Protein change: p.Lys557Arg; replaces lysine 557 with arginine.
Molecular consequence: missense variant. On other transcripts: non-coding transcript variant (2).
Genome position (GRCh38, 1-based): chrX:24,727,920, A>G. VCF-style: chrX-24727920-A-G. GRCh37 (hg19) VCF-style: chrX-24746037-A-G.
Other names: c.1595A>G, p.Lys532Arg (NM_001378303.1); c.1652A>G, p.Lys551Arg (NM_016937.4); short protein forms K532R, K551R, K557R.
Identifiers: ClinVar variation 1911015 (VCV001911015.5), dbSNP rs1339288126, ClinGen allele CA412534417.

ClinVar aggregate classification (germline): Uncertain significance (1 of 4 stars; one submission).

Allele frequency attached by ClinVar (database versions not stated): gnomAD exomes below 0.00001.
gnomAD v4.1: 4 of 1,208,390 alleles (0.00033%); highest among the groups gnomAD compares: Non-Finnish European, 0.00011%; no homozygotes.

Submission:

Labcorp Genetics (formerly Invitae), Labcorp
Classification: Uncertain significance. Last evaluated: 2022-02-24. Review status: criteria provided, single submitter. Criteria: Invitae Variant Classification Sherloc (09022015). Collection method: clinical testing. Allele origin: germline.
Comment: In summary, the available evidence is currently insufficient to determine the role of this variant in disease. Therefore, it has been classified as a Variant of Uncertain Significance. Algorithms developed to predict the effect of missense changes on protein structure and function (SIFT, PolyPhen-2, Align-GVGD) all suggest that this variant is likely to be tolerated. This variant has not been reported in the literature in individuals affected with POLA1-related conditions. This variant is present in population databases (no rsID available, gnomAD 0.01%). This sequence change replaces lysine, which is basic and polar, with arginine, which is basic and polar, at codon 551 of the POLA1 protein (p.Lys551Arg).